The following is an entry in ClinVar:

ClinVar aggregate classification (germline): Uncertain significance (1 of 4 stars; one submission).

Conditions:
Inborn genetic diseases. Identifiers: MedGen C0950123, MeSH D030342.

gnomAD v4.1: 1 of 1,613,934 alleles (0.000062%); no homozygotes.

Submission:

Ambry Genetics
Classification: Uncertain significance for Inborn genetic diseases. Last evaluated: 2026-02-24. Review status: criteria provided, single submitter. Criteria: Ambry Variant Classification Scheme 2023. Collection method: clinical testing. Allele origin: germline.
Comment: The c.1641T>G (p.I547M) alteration is located in exon 12 (coding exon 12) of the KCNQ3 gene. This alteration results from a T to G substitution at nucleotide position 1641, causing the isoleucine (I) at amino acid position 547 to be replaced by a methionine (M). Based on data from gnomAD, the G allele has an overall frequency of <0.001% (1/251356) total alleles studied. The highest observed frequency was <0.001% (/) of alleles. Based on insufficient or conflicting evidence, the clinical significance of this alteration remains unclear.

NM_004519.4(KCNQ3):c.1641T>G (p.Ile547Met)

Gene: KCNQ3 (potassium voltage-gated channel subfamily Q member 3; minus strand). Cytogenetic location: 8q24.22.
Variant type: single nucleotide variant.
Coding change: c.1641T>G on transcript NM_004519.4 (MANE Select); coding-DNA position 1641, T replaced by G.
Protein change: p.Ile547Met; replaces isoleucine 547 with methionine.
Molecular consequence: missense variant.
Genome position (GRCh38, 1-based): chr8:132,137,944, A>C on the plus strand (T>G on the coding strand, the complement: KCNQ3 is on the minus strand). VCF-style: chr8-132137944-A-C. GRCh37 (hg19) VCF-style: chr8-133150191-A-C.
Other names: c.1281T>G, p.Ile427Met (NM_001204824.2); short protein forms I427M, I547M.
Identifiers: ClinVar variation 4840372 (VCV004840372.1).